The following is an entry in ClinVar:

ClinVar aggregate classification (germline): Conflicting classifications of pathogenicity. Review status: criteria provided, conflicting classifications (1 of 4 stars). 2 submissions from 2 submitters: Uncertain significance (1); Likely benign (1). Last evaluated 2024-09-20.

Conditions:
Noonan syndrome 8 (NS8). Identifiers: Orphanet 648, MedGen C3809233, MONDO:0014143, OMIM 615355.

Submissions (2):

3billion
Classification: Likely benign for Noonan syndrome 8. Last evaluated: 2024-09-20. Review status: criteria provided, single submitter. Criteria: ACMG Guidelines, 2015. Collection method: clinical testing. Allele origin: germline. Affected: no.
Comment: The variant was identified in at least one patient who was diagnosed with a different variant in another gene and showed no symptoms related to the gene containing the variant in question.

Labcorp Genetics (formerly Invitae), Labcorp
Classification: Uncertain significance for Noonan syndrome 8. Last evaluated: 2023-07-25. Review status: criteria provided, single submitter. Criteria: Invitae Variant Classification Sherloc (09022015). Collection method: clinical testing. Allele origin: germline.
Comment: This sequence change replaces methionine, which is neutral and non-polar, with threonine, which is neutral and polar, at codon 193 of the RIT1 protein (p.Met193Thr). This variant is not present in population databases (gnomAD no frequency). This variant has not been reported in the literature in individuals affected with RIT1-related conditions. Advanced modeling of protein sequence and biophysical properties (such as structural, functional, and spatial information, amino acid conservation, physicochemical variation, residue mobility, and thermodynamic stability) performed at Invitae indicates that this missense variant is not expected to disrupt RIT1 protein function. In summary, the available evidence is currently insufficient to determine the role of this variant in disease. Therefore, it has been classified as a Variant of Uncertain Significance.

NM_006912.6(RIT1):c.578T>C (p.Met193Thr)

Gene: RIT1 (Ras like without CAAX 1; minus strand). Cytogenetic location: 1q22.
Variant type: single nucleotide variant.
Coding change: c.578T>C on transcript NM_006912.6 (MANE Select); coding-DNA position 578, T replaced by C.
Protein change: p.Met193Thr; replaces methionine 193 with threonine.
Molecular consequence: missense variant.
Genome position (GRCh38, 1-based): chr1:155,900,470, A>G on the plus strand (T>C on the coding strand, the complement: RIT1 is on the minus strand). VCF-style: chr1-155900470-A-G. GRCh37 (hg19) VCF-style: chr1-155870261-A-G.
Other names: c.470T>C, p.Met157Thr (NM_001256820.2); c.629T>C, p.Met210Thr (NM_001256821.2); short protein forms M210T, M157T, M193T.
Identifiers: ClinVar variation 3005177 (VCV003005177.4), dbSNP rs1442986615, ClinGen allele CA342801020.